The following is an entry in ClinVar:

ClinVar aggregate classification (germline): Likely benign. Review status: criteria provided, multiple submitters, no conflicts (2 of 4 stars). 4 submissions from 4 submitters: Likely benign (4). Last evaluated 2026-02-19.

Conditions:
Cardiovascular phenotype. Identifiers: MedGen CN230736.
Dilated cardiomyopathy 1HH (CMD1HH). Identifiers: Orphanet 154, MedGen C3151293, MONDO:0013479, OMIM 613881.
Myofibrillar myopathy 6. Identifiers: Orphanet 199340, MedGen C2751831, MONDO:0013061, OMIM 612954.

Allele frequency attached by ClinVar (database versions not stated): gnomAD exomes below 0.00001; gnomAD 0.00001; TOPMed 0.00003.
gnomAD v4.1: 8 of 1,613,958 alleles (0.0005%); highest among the groups gnomAD compares: Admixed American, 0.013%; no homozygotes.

Submissions (4):

Ambry Genetics
Classification: Likely benign for Cardiovascular phenotype. Last evaluated: 2026-02-19. Review status: criteria provided, single submitter. Criteria: Ambry Variant Classification Scheme 2023. Collection method: clinical testing. Allele origin: germline.

Labcorp Genetics (formerly Invitae), Labcorp
Classification: Likely benign for Dilated cardiomyopathy 1HH; Myofibrillar myopathy 6. Last evaluated: 2026-01-09. Review status: criteria provided, single submitter. Criteria: Invitae Variant Classification Sherloc (09022015). Collection method: clinical testing. Allele origin: germline.

GeneDx
Classification: Likely benign. Last evaluated: 2020-05-18. Review status: criteria provided, single submitter. Criteria: GeneDx Variant Classification Process June 2021. Collection method: clinical testing. Allele origin: germline. Affected: yes.
Comment: See Variant Classification Assertion Criteria.

Breakthrough Genomics
Classification: Likely benign. Review status: criteria provided, single submitter. Criteria: ACMG Guidelines, 2015. Collection method: not provided. Allele origin: germline. Inheritance: Autosomal dominant inheritance. Affected: yes.

NM_004281.4(BAG3):c.585C>T (p.Ser195=)

Gene: BAG3 (BAG cochaperone 3; plus strand). Cytogenetic location: 10q26.11.
Variant type: single nucleotide variant.
Coding change: c.585C>T on transcript NM_004281.4 (MANE Select); coding-DNA position 585, C replaced by T.
Protein change: p.Ser195=; no amino-acid change (serine 195 retained).
Molecular consequence: synonymous variant.
Genome position (GRCh38, 1-based): chr10:119,672,332, C>T. VCF-style: chr10-119672332-C-T. GRCh37 (hg19) VCF-style: chr10-121431844-C-T.
Identifiers: ClinVar variation 1099652 (VCV001099652.12), dbSNP rs1286023578, ClinGen allele CA471739203.